The following is an entry in ClinVar:

NM_007294.4(BRCA1):c.2087C>T (p.Thr696Ile)

Gene: BRCA1 (BRCA1 DNA repair associated; minus strand). Cytogenetic location: 17q21.31.
Variant type: single nucleotide variant.
Coding change: c.2087C>T on transcript NM_007294.4 (MANE Select); coding-DNA position 2087, C replaced by T.
Protein change: p.Thr696Ile; replaces threonine 696 with isoleucine.
Molecular consequence: missense variant. On other transcripts: intron variant (137).
Genome position (GRCh38, 1-based): chr17:43,093,444, G>A on the plus strand (C>T on the coding strand, the complement: BRCA1 is on the minus strand). VCF-style: chr17-43093444-G-A. GRCh37 (hg19) VCF-style: chr17-41245461-G-A.
Other names: c.2006C>T, p.Thr669Ile (NM_001407662.1, NM_001407659.1, NM_001407660.1 and 1 more transcripts); c.2009C>T, p.Thr670Ile (NM_001407663.1, NM_001407653.1, NM_001407654.1 and 4 more transcripts); c.1964C>T, p.Thr655Ile (NM_001407664.1, NM_001407665.1, NM_001407666.1 and 19 more transcripts); c.1961C>T, p.Thr654Ile (NM_001407670.1, NM_001407671.1, NM_001407672.1 and 11 more transcripts); c.2087C>T, p.Thr696Ile (NM_001407684.1, NM_001407581.1, NM_001407582.1 and 30 more transcripts); c.1874C>T, p.Thr625Ile (NM_001407571.1, NM_001407853.1, NM_001407894.1 and 9 more transcripts); c.2084C>T, p.Thr695Ile (NM_001407587.1, NM_001407590.1, NM_001407591.1 and 22 more transcripts); c.2078C>T, p.Thr693Ile (NM_001407646.1, NM_001407647.1); and 40 more; short protein forms T649I, T696I, T400I, T568I, T569I, T648I, T654I, T695I.
Identifiers: ClinVar variation 861683 (VCV000861683.13), dbSNP rs1334969117, ClinGen allele CA10597826.

ClinVar aggregate classification (germline): Conflicting classifications of pathogenicity. Review status: criteria provided, conflicting classifications (1 of 4 stars). 2 submissions from 2 submitters: Uncertain significance (1); Likely benign (1). Last evaluated 2025-06-02.

Conditions:
Hereditary breast ovarian cancer syndrome. Also called: Hereditary breast and ovarian cancer; Breast and ovarian cancer; Hereditary breast and/or ovarian cancer syndrome; Hereditary breast and ovarian cancer syndrome; Hereditary breast and ovarian cancer syndrome (HBOC); BRCA1- and BRCA2-Associated Hereditary Breast and Ovarian Cancer. Identifiers: Orphanet 145, MedGen C0677776, MeSH D061325, MONDO:0003582. Disease mechanism: loss of function.
Hereditary cancer-predisposing syndrome. Also called: Tumor predisposition; Hereditary neoplastic syndrome; Neoplastic Syndromes, Hereditary; Hereditary Cancer Syndrome. Identifiers: Orphanet 140162, MedGen C0027672, MeSH D009386, MONDO:0015356.

Allele frequency attached by ClinVar (database versions not stated): gnomAD exomes below 0.00001.
gnomAD v4.1: 1 of 1,614,054 alleles (0.000062%); highest among the groups gnomAD compares: South Asian, 0.0011%; no homozygotes.

Submissions (2):

Labcorp Genetics (formerly Invitae), Labcorp
Classification: Uncertain significance for Hereditary breast ovarian cancer syndrome. Last evaluated: 2025-06-02. Review status: criteria provided, single submitter. Criteria: Invitae Variant Classification Sherloc (09022015). Collection method: clinical testing. Allele origin: germline.
Comment: This sequence change replaces threonine, which is neutral and polar, with isoleucine, which is neutral and non-polar, at codon 696 of the BRCA1 protein (p.Thr696Ile). This variant is present in population databases (no rsID available, gnomAD 0.003%). This variant has not been reported in the literature in individuals affected with BRCA1-related conditions. ClinVar contains an entry for this variant (Variation ID: 861683). Invitae Evidence Modeling of protein sequence and biophysical properties (such as structural, functional, and spatial information, amino acid conservation, physicochemical variation, residue mobility, and thermodynamic stability) indicates that this missense variant is not expected to disrupt BRCA1 protein function with a negative predictive value of 80%. In summary, the available evidence is currently insufficient to determine the role of this variant in disease. Therefore, it has been classified as a Variant of Uncertain Significance.

University of Washington Department of Laboratory Medicine, University of Washington
Classification: Likely benign for Hereditary cancer-predisposing syndrome. Last evaluated: 2023-03-23. Review status: criteria provided, single submitter. Criteria: Dines et al. (Genet Med. 2020). Collection method: curation. Allele origin: germline.
Comment: Missense variant in a coldspot region where missense variants are very unlikely to be pathogenic (PMID:31911673).

BRCA1 coldspot (exon 11 using historical exon numbering). Reclassification based on statistical prior probability